The following is an entry in ClinVar:

NM_006662.3(SRCAP):c.1531C>T (p.His511Tyr)

Gene: SRCAP (Snf2 related CREBBP activator protein; plus strand). Cytogenetic location: 16p11.2.
Variant type: single nucleotide variant.
Coding change: c.1531C>T on transcript NM_006662.3 (MANE Select); coding-DNA position 1531, C replaced by T.
Protein change: p.His511Tyr; replaces histidine 511 with tyrosine.
Molecular consequence: missense variant.
Genome position (GRCh38, 1-based): chr16:30,711,873, C>T. VCF-style: chr16-30711873-C-T. GRCh37 (hg19) VCF-style: chr16-30723194-C-T.
Other names: short protein forms H511Y.
Identifiers: ClinVar variation 2244170 (VCV002244170.6), dbSNP rs991155397, ClinGen allele CA280506054.

ClinVar aggregate classification (germline): Conflicting classifications of pathogenicity. Review status: criteria provided, conflicting classifications (1 of 4 stars). 3 submissions from 3 submitters: Uncertain significance (2); Likely benign (1). Last evaluated 2024-09-04.

Conditions:
Developmental delay, hypotonia, musculoskeletal defects, and behavioral abnormalities. Identifiers: MedGen C5562012, MONDO:0859202, OMIM 619595.
Floating-Harbor syndrome (FLHS). Also called: Short stature with delayed bone age, expressive language delay, a triangular face with a prominent nose and deep-set eyes; Pelletier-Leisti syndrome; SRCAP-Related Floating-Harbor Syndrome. Identifiers: Orphanet 2044, MedGen C0729582, MONDO:0007621, OMIM 136140.
Inborn genetic diseases. Identifiers: MedGen C0950123, MeSH D030342.

Allele frequency attached by ClinVar (database versions not stated): gnomAD exomes 0.00001; TOPMed below 0.00001; gnomAD 0.00001.
gnomAD v4.1: 20 of 1,613,620 alleles (0.0012%); highest among the groups gnomAD compares: Non-Finnish European, 0.0017%; no homozygotes.

Submissions (3):

Labcorp Genetics (formerly Invitae), Labcorp
Classification: Uncertain significance. Last evaluated: 2024-09-04. Review status: criteria provided, single submitter. Criteria: Invitae Variant Classification Sherloc (09022015). Collection method: clinical testing. Allele origin: germline.
Comment: This sequence change replaces histidine, which is basic and polar, with tyrosine, which is neutral and polar, at codon 511 of the SRCAP protein (p.His511Tyr). This variant is present in population databases (no rsID available, gnomAD 0.003%). This variant has not been reported in the literature in individuals affected with SRCAP-related conditions. ClinVar contains an entry for this variant (Variation ID: 2244170). Invitae Evidence Modeling of protein sequence and biophysical properties (such as structural, functional, and spatial information, amino acid conservation, physicochemical variation, residue mobility, and thermodynamic stability) indicates that this missense variant is not expected to disrupt SRCAP protein function with a negative predictive value of 80%. In summary, the available evidence is currently insufficient to determine the role of this variant in disease. Therefore, it has been classified as a Variant of Uncertain Significance.

Fulgent Genetics
Classification: Uncertain significance for Floating-Harbor syndrome; Developmental delay, hypotonia, musculoskeletal defects, and behavioral abnormalities. Last evaluated: 2024-06-17. Review status: criteria provided, single submitter. Criteria: ACMG Guidelines, 2015. Collection method: clinical testing. Allele origin: germline.

Ambry Genetics
Classification: Likely benign for Inborn genetic diseases. Last evaluated: 2021-08-12. Review status: criteria provided, single submitter. Criteria: Ambry Variant Classification Scheme 2023. Collection method: clinical testing. Allele origin: germline.